The following is an entry in ClinVar:

NM_015570.4(AUTS2):c.2551C>G (p.His851Asp)

Gene: AUTS2 (activator of transcription and developmental regulator AUTS2; plus strand). Cytogenetic location: 7q11.22.
Variant type: single nucleotide variant.
Coding change: c.2551C>G on transcript NM_015570.4 (MANE Select); coding-DNA position 2551, C replaced by G.
Protein change: p.His851Asp; replaces histidine 851 with aspartic acid.
Molecular consequence: missense variant.
Genome position (GRCh38, 1-based): chr7:70,789,767, C>G. VCF-style: chr7-70789767-C-G. GRCh37 (hg19) VCF-style: chr7-70254753-C-G.
Other names: c.2479C>G, p.His827Asp (NM_001127231.3); short protein forms H827D, H851D.
Identifiers: ClinVar variation 2442637 (VCV002442637.1), dbSNP rs1791757276, ClinGen allele CA367664341.

ClinVar aggregate classification (germline): Uncertain significance (1 of 4 stars; one submission).

Submission:

GeneDx
Classification: Uncertain significance. Last evaluated: 2022-09-06. Review status: criteria provided, single submitter. Criteria: GeneDx Variant Classification Process June 2021. Collection method: clinical testing. Allele origin: germline. Affected: yes.
Comment: Identified in a patient with global developmental delay, intellectual disability, autism, and ADHD in published literature, though parental testing was not discussed and it is unclear if the variant was inherited or arose de novo (Monies et al., 2019); Not observed at significant frequency in large population cohorts (gnomAD); In silico analysis supports that this missense variant has a deleterious effect on protein structure/function; Also known as c.2479C>G: p.His827Asp; This variant is associated with the following publications: (PMID: 31130284)